The following is an entry in ClinVar:

NM_000883.4(IMPDH1):c.889G>A (p.Val297Ile)

Gene: IMPDH1 (inosine monophosphate dehydrogenase 1; minus strand). Cytogenetic location: 7q32.1.
Variant type: single nucleotide variant.
Coding change: c.889G>A on transcript NM_000883.4 (MANE Select); coding-DNA position 889, G replaced by A.
Protein change: p.Val297Ile; replaces valine 297 with isoleucine.
Molecular consequence: missense variant.
Genome position (GRCh38, 1-based): chr7:128,398,599, C>T on the plus strand (G>A on the coding strand, the complement: IMPDH1 is on the minus strand). VCF-style: chr7-128398599-C-T. GRCh37 (hg19) VCF-style: chr7-128038653-C-T.
Other names: c.889G>A (NM_000883.3); c.859G>A, p.Val287Ile (NM_001102605.2); c.634G>A, p.Val212Ile (NM_001142573.2); c.619G>A, p.Val207Ile (NM_001142574.2); c.559G>A, p.Val187Ile (NM_001142575.2); c.790G>A, p.Val264Ile (NM_001142576.2); c.682G>A, p.Val228Ile (NM_001304521.2); c.781G>A, p.Val261Ile (NM_183243.3); short protein forms V187I, V207I, V212I, V228I, V261I, V264I, V287I, V297I.
Identifiers: ClinVar variation 3249304 (VCV003249304.5).

ClinVar aggregate classification (germline): Conflicting classifications of pathogenicity. Review status: criteria provided, conflicting classifications (1 of 4 stars). 4 submissions from 4 submitters: Uncertain significance (2); Likely benign (1). 1 of the submissions does not count toward it. Last evaluated 2025-12-01.

Conditions:
Inborn genetic diseases. Identifiers: MedGen C0950123, MeSH D030342.
Retinal dystrophy. Also called: Inherited retinal dystrophy. Identifiers: Orphanet 71862, MedGen C0854723, MeSH D058499, MONDO:0019118, HP:0000556.

gnomAD v4.1: 22 of 1,612,604 alleles (0.0014%); highest among the groups gnomAD compares: African/African-American, 0.0027%; no homozygotes.

Submissions (4):

Labcorp Genetics (formerly Invitae), Labcorp
Classification: Uncertain significance. Last evaluated: 2025-12-01. Review status: criteria provided, single submitter. Criteria: Invitae Variant Classification Sherloc (09022015). Collection method: clinical testing. Allele origin: germline.
Comment: This sequence change replaces valine, which is neutral and non-polar, with isoleucine, which is neutral and non-polar, at codon 297 of the IMPDH1 protein (p.Val297Ile). This variant is present in population databases (rs375104715, gnomAD 0.01%). This variant has not been reported in the literature in individuals affected with IMPDH1-related conditions. ClinVar contains an entry for this variant (Variation ID: 3249304). An algorithm developed to predict the effect of missense changes on protein structure and function (PolyPhen-2) suggests that this variant is likely to be disruptive. In summary, the available evidence is currently insufficient to determine the role of this variant in disease. Therefore, it has been classified as a Variant of Uncertain Significance.

Laboratory of Genetics, Children's Clinical University Hospital Latvia
Classification: Likely benign. Last evaluated: 2025-02-16. Review status: criteria provided, single submitter. Criteria: ACMG Guidelines, 2015. Collection method: clinical testing. Allele origin: germline. Affected: yes.

Ambry Genetics
Classification: Uncertain significance for Inborn genetic diseases. Last evaluated: 2025-02-12. Review status: criteria provided, single submitter. Criteria: Ambry Variant Classification Scheme 2023. Collection method: clinical testing. Allele origin: germline.

Institute of Human Genetics, Univ. Regensburg, Univ. Regensburg
Classification: Uncertain significance for Retinal dystrophy. Last evaluated: 2022-01-01. Review status: no assertion criteria provided. Criteria: ACMG Guidelines, 2015. Collection method: clinical testing. Allele origin: germline. Affected: yes. Not counted in ClinVar's aggregate classification.